The following is an entry in ClinVar:

ClinVar aggregate classification (germline): Pathogenic (0 of 4 stars; one submission).

Conditions:
Telomere syndrome. Identifiers: MedGen C4727832, MONDO:0100137.

Submission:

The Telomere Center at Johns Hopkins, Johns Hopkins University School of Medicine
Classification: Pathogenic for Telomere syndrome. Last evaluated: 2022-08-01. Review status: no assertion criteria provided. Collection method: clinical testing. Allele origin: germline. Affected: yes. Observed: 1 variant allele.
Comment: Classified as pathogenic based on very short telomere length by flowFISH, classic short telomere phenotype with family history and expert opinion

NM_198253.3(TERT):c.258G>C (p.Gln86His)

Genes: TERT (telomerase reverse transcriptase; minus strand), LOC110806263 (TERT 5' regulatory region; plus strand). Cytogenetic location: 5p15.33.
Variant type: single nucleotide variant.
Coding change: c.258G>C on transcript NM_198253.3 (MANE Select); coding-DNA position 258, G replaced by C.
Protein change: p.Gln86His; replaces glutamine 86 with histidine.
Molecular consequence: missense variant. On other transcripts: non-coding transcript variant (2).
Genome position (GRCh38, 1-based): chr5:1,294,628, C>G on the plus strand (G>C on the coding strand, the complement: TERT is on the minus strand). VCF-style: chr5-1294628-C-G. GRCh37 (hg19) VCF-style: chr5-1294743-C-G.
Other names: c.258G>C, p.Gln86His (NM_001193376.3, NM_003219.1); short protein forms Q86H.
Identifiers: ClinVar variation 2443315 (VCV002443315.1), dbSNP rs2478430547, ClinGen allele CA359058639.
Genomic context (GRCh38, chr5:1,294,628, plus strand): 5'-CCCGTCCAGCAGCGCGAAGCCGAAGGCCAGCACGTTCTTCGCGCCGCGCTCGCACAGCCT[C>G]TGCAGCACTCGGGCCACCAGCTCCTTCAGGCAGGACACCTGCGGGGGAAGCGCCCTGAGT-3'
Protein context (NP_937983.2, residues 76-96): CLKELVARVL[Gln86His]RLCERGAKNV